The following is an entry in ClinVar:

ClinVar aggregate classification (germline): Uncertain significance (1 of 4 stars; one submission).

Conditions:
POLD1-related polyposis and colorectal cancer syndrome (CRCS10). Also called: Colorectal cancer 10; COLORECTAL CANCER, SUSCEPTIBILITY TO, ON CHROMOSOME 19q; Colorectal cancer, susceptibility to, 10. Identifiers: Orphanet 220460, MedGen C2675481, MONDO:0012953, OMIM 612591.

Allele frequency attached by ClinVar (database versions not stated): gnomAD exomes below 0.00001; ExAC 0.00001.

Submission:

Labcorp Genetics (formerly Invitae), Labcorp
Classification: Uncertain significance for POLD1-related polyposis and colorectal cancer syndrome. Last evaluated: 2022-02-05. Review status: criteria provided, single submitter. Criteria: Invitae Variant Classification Sherloc (09022015). Collection method: clinical testing. Allele origin: germline.
Comment: In summary, the available evidence is currently insufficient to determine the role of this variant in disease. Therefore, it has been classified as a Variant of Uncertain Significance. This variant has not been reported in the literature in individuals affected with POLD1-related conditions. This variant is present in population databases (rs757320072, gnomAD 0.003%). This sequence change creates a premature translational stop signal (p.Gly235Glnfs*42) in the POLD1 gene. Missense variants that disrupt the 3'-5' exonuclease (proof-reading) activity of the POLD1 protein are associated with an increased risk for colonic adenomatous polyps and colon cancer (PMID: 23263490, 23447401). However, loss-of-function variants that result in an absent or severely disrupted POLD1 protein, and missense variants outside the exonuclease domain, are unlikely to be associated with polyposis or colon cancer.

Literature cited by the submitters: PubMed 23263490; PubMed 23447401.

NM_002691.4(POLD1):c.700_701dup (p.Gly235fs)

Gene: POLD1 (DNA polymerase delta 1, catalytic subunit; plus strand). Cytogenetic location: 19q13.33.
Variant type: Duplication.
Coding change: c.700_701dup on transcript NM_002691.4 (MANE Select); coding-DNA positions 700 to 701, 2 bases duplicated (GC; older notation c.700_701dupGC).
Protein change: p.Gly235fs; shifts the reading frame from glycine 235.
Molecular consequence: frameshift variant. On other transcripts: non-coding transcript variant (1).
Genome position (GRCh38, 1-based): chr19:50,402,315-50,402,316, GC duplicated. VCF-style (leftmost placement, unchanged base first): chr19-50402314-G-GGC. GRCh37 (hg19) VCF-style: chr19-50905571-G-GGC.
Other names: c.700_701dup, p.Gly235fs (NM_001256849.1, NM_001308632.1); short protein forms G235fs.
Identifiers: ClinVar variation 2093471 (VCV002093471.4), dbSNP rs757320072, ClinGen allele CA9595865.
Genomic context (GRCh38, chr19:50,402,314, plus strand): 5'-CGTGGCGCTGCCGCGCCTCGTGGCCCCGGCCCGCCGTCTCCTGGAACAGGGCATCCGTGT[G>GGC]GCAGGCCTGGGCACGCCCAGCTTCGCGCCCTACGAGGCCAACGTCGACTTTGAGATCCGG-3'